The following is an entry in ClinVar:

NM_007113.4(TCHH):c.1153_1162del (p.Arg385fs)

Gene: TCHH (trichohyalin; minus strand). Cytogenetic location: 1q21.3.
Variant type: Deletion.
Coding change: c.1153_1162del on transcript NM_007113.4 (MANE Select); coding-DNA positions 1153 to 1162, 10 bases deleted (CGCGAGCAGC; older notation c.1153_1162delCGCGAGCAGC).
Protein change: p.Arg385fs; shifts the reading frame from arginine 385.
Molecular consequence: frameshift variant.
Genome position (GRCh38, 1-based): chr1:152,112,055-152,112,064, GCTGCTCGCG deleted on the plus strand (CGCGAGCAGC on the coding strand, the reverse complement: TCHH is on the minus strand). VCF-style (leftmost placement, unchanged base first): chr1-152112054-TGCTGCTCGCG-T. GRCh37 (hg19) VCF-style: chr1-152084530-TGCTGCTCGCG-T.
Other names: p.Arg385Serfs*2; short protein forms R385fs.
Identifiers: ClinVar variation 4056308 (VCV004056308.1).
Genomic context (GRCh38, chr1:152,112,054, plus strand): 5'-CTCAGCTGCTGCTCGCGCCTCAGCTGCTGCTCGCGCCTCAGCTGCTGCTCGCGCCTCAGC[TGCTGCTCGCG>T]CCTCAGCTGCTGCTCGCGCCTCAGCTGCTGCTCGCGCCTCTCCTCCTCCTGCTCGCGCCT-3'

ClinVar aggregate classification (germline): Likely pathogenic (1 of 4 stars; one submission).

Conditions:
Uncombable hair syndrome 3 (UHS3). Identifiers: MedGen C4310648, MONDO:0014990, OMIM 617252.

Submission:

Foundation for Research in Genetics and Endocrinology, FRIGE's Institute of Human Genetics
Classification: Likely pathogenic for Uncombable hair syndrome 3. Last evaluated: 2025-07-02. Review status: criteria provided, single submitter. Criteria: ACMG Guidelines, 2015. Collection method: clinical testing. Allele origin: germline. Inheritance: Autosomal recessive inheritance. Affected: yes. Observed: 1 homozygote.
Comment: The homozygous frameshift deletion variant c.1153_1162del; p.Arg385Serfs*2, has been detected in the TCHH gene and it leads to protein truncation 2 amino acids downstream of codon 385. This variant has been reported in population frequency databases such as gnomAD (MAF-0.0000%) and not reported in ExAC. In summary, the variant meets our criteria to be classified as likely pathogenic.